The following is an entry in ClinVar:

ClinVar aggregate classification (germline): Uncertain significance. Review status: criteria provided, multiple submitters, no conflicts (2 of 4 stars). 2 submissions from 2 submitters: Uncertain significance (2). Last evaluated 2024-05-12.

Conditions:
Hereditary spastic paraplegia 7 (SPG7). Also called: Autosomal recessive spastic paraplegia type 7; SPASTIC PARAPLEGIA 7, AUTOSOMAL RECESSIVE, WITH OR WITHOUT CEREBELLAR ATAXIA; Spastic paraplegia 7; Hereditary spastic paraplegia Paraplegin type; SPG7-related neurologic disorder. Identifiers: Orphanet 99013, MedGen C1846564, MONDO:0011803, OMIM 607259.

Submissions (2):

Labcorp Genetics (formerly Invitae), Labcorp
Classification: Uncertain significance for Hereditary spastic paraplegia 7. Last evaluated: 2024-05-12. Review status: criteria provided, single submitter. Criteria: Invitae Variant Classification Sherloc (09022015). Collection method: clinical testing. Allele origin: germline.
Comment: This sequence change replaces valine, which is neutral and non-polar, with methionine, which is neutral and non-polar, at codon 180 of the SPG7 protein (p.Val180Met). This variant is not present in population databases (gnomAD no frequency). This variant has not been reported in the literature in individuals affected with SPG7-related conditions. Advanced modeling of protein sequence and biophysical properties (such as structural, functional, and spatial information, amino acid conservation, physicochemical variation, residue mobility, and thermodynamic stability) performed at Invitae indicates that this missense variant is expected to disrupt SPG7 protein function with a positive predictive value of 80%. In summary, the available evidence is currently insufficient to determine the role of this variant in disease. Therefore, it has been classified as a Variant of Uncertain Significance.

PROSPAX: an integrated multimodal progression  chart in spastic ataxias, Center for Neurology; Hertie-Institute for Clinical Brain Research
Classification: Uncertain significance for Hereditary spastic paraplegia 7. Last evaluated: 2022-01-01. Review status: criteria provided, single submitter. Criteria: ACMG Guidelines, 2015. Collection method: research. Allele origin: germline. Affected: yes. Observed: 1 variant allele, 1 compound heterozygote.

NM_003119.4(SPG7):c.538G>A (p.Val180Met)

Gene: SPG7 (SPG7 matrix AAA peptidase subunit, paraplegin; plus strand). Cytogenetic location: 16q24.3.
Variant type: single nucleotide variant.
Coding change: c.538G>A on transcript NM_003119.4 (MANE Select); coding-DNA position 538, G replaced by A.
Protein change: p.Val180Met; replaces valine 180 with methionine.
Molecular consequence: missense variant.
Genome position (GRCh38, 1-based): chr16:89,524,167, G>A. VCF-style: chr16-89524167-G-A. GRCh37 (hg19) VCF-style: chr16-89590575-G-A.
Other names: c.538G>A, p.Val180Met (NM_001363850.1, NM_199367.3); short protein forms V180M.
Identifiers: ClinVar variation 3236289 (VCV003236289.3).